The following is an entry in ClinVar:

NM_018136.5(ASPM):c.4175G>C (p.Arg1392Pro)

Gene: ASPM (assembly factor for spindle microtubules; minus strand). Cytogenetic location: 1q31.3.
Variant type: single nucleotide variant.
Coding change: c.4175G>C on transcript NM_018136.5 (MANE Select); coding-DNA position 4175, G replaced by C.
Protein change: p.Arg1392Pro; replaces arginine 1392 with proline.
Molecular consequence: missense variant. On other transcripts: intron variant (1).
Genome position (GRCh38, 1-based): chr1:197,105,076, C>G on the plus strand (G>C on the coding strand, the complement: ASPM is on the minus strand). VCF-style: chr1-197105076-C-G. GRCh37 (hg19) VCF-style: chr1-197074206-C-G.
Other names: c.4066-8912G>C (NM_001206846.2); short protein forms R1392P.
Identifiers: ClinVar variation 1700327 (VCV001700327.2), dbSNP rs765050426, ClinGen allele CA1309968.

ClinVar aggregate classification (germline): Uncertain significance (1 of 4 stars; one submission).

gnomAD v4.1: 6 of 1,609,464 alleles (0.00037%); highest among the groups gnomAD compares: South Asian, 0.0066%; no homozygotes.

Submission:

GeneDx
Classification: Uncertain significance. Last evaluated: 2022-02-08. Review status: criteria provided, single submitter. Criteria: GeneDx Variant Classification Process June 2021. Collection method: clinical testing. Allele origin: germline. Affected: yes.
Comment: Not observed at significant frequency in large population cohorts (gnomAD); In silico analysis supports that this missense variant has a deleterious effect on protein structure/function; Missense variant in a gene in which most reported pathogenic variants are truncating/loss-of-function; Has not been previously published as pathogenic or benign to our knowledge